The following is an entry in ClinVar:

NM_181507.2(HPS5):c.131G>A (p.Arg44Gln)

Gene: HPS5 (HPS5 biogenesis of lysosomal organelles complex 2 subunit 2; minus strand). Cytogenetic location: 11p15.1.
Variant type: single nucleotide variant.
Coding change: c.131G>A on transcript NM_181507.2 (MANE Select); coding-DNA position 131, G replaced by A.
Protein change: p.Arg44Gln; replaces arginine 44 with glutamine.
Molecular consequence: missense variant. On other transcripts: 5 prime UTR variant (1).
Genome position (GRCh38, 1-based): chr11:18,312,002, C>T on the plus strand (G>A on the coding strand, the complement: HPS5 is on the minus strand). VCF-style: chr11-18312002-C-T. GRCh37 (hg19) VCF-style: chr11-18333549-C-T.
Other names: c.-212G>A (NM_007216.4, NM_181508.2); short protein forms R44Q.
Identifiers: ClinVar variation 1358319 (VCV001358319.8), dbSNP rs760835753, ClinGen allele CA5910560.

ClinVar aggregate classification (germline): Uncertain significance. Review status: criteria provided, multiple submitters, no conflicts (2 of 4 stars). 2 submissions from 2 submitters: Uncertain significance (2). Last evaluated 2024-11-13.

Allele frequency attached by ClinVar (database versions not stated): gnomAD 0.00001; ExAC 0.00002; gnomAD exomes 0.00002 and 0.00003; TOPMed 0.00002.

Submissions (2):

Labcorp Genetics (formerly Invitae), Labcorp
Classification: Uncertain significance. Last evaluated: 2024-11-13. Review status: criteria provided, single submitter. Criteria: Invitae Variant Classification Sherloc (09022015). Collection method: clinical testing. Allele origin: germline.
Comment: This sequence change replaces arginine, which is basic and polar, with glutamine, which is neutral and polar, at codon 44 of the HPS5 protein (p.Arg44Gln). This variant is present in population databases (rs760835753, gnomAD 0.01%). This variant has not been reported in the literature in individuals affected with HPS5-related conditions. ClinVar contains an entry for this variant (Variation ID: 1358319). An algorithm developed to predict the effect of missense changes on protein structure and function (PolyPhen-2) suggests that this variant is likely to be disruptive. Algorithms developed to predict the effect of sequence changes on RNA splicing suggest that this variant may disrupt the consensus splice site. In summary, the available evidence is currently insufficient to determine the role of this variant in disease. Therefore, it has been classified as a Variant of Uncertain Significance.

Women's Health and Genetics/Laboratory Corporation of America, LabCorp
Classification: Uncertain significance. Last evaluated: 2023-11-13. Review status: criteria provided, single submitter. Criteria: LabCorp Variant Classification Summary - May 2015. Collection method: clinical testing. Allele origin: germline.
Comment: Variant summary: HPS5 c.131G>A (p.Arg44Gln) results in a conservative amino acid change in the encoded protein sequence. Three of five in-silico tools predict a damaging effect of the variant on protein function. The variant allele was found at a frequency of 2.8e-05 in 251352 control chromosomes (gnomAD). The available data on variant occurrences in the general population are insufficient to allow any conclusion about variant significance. To our knowledge, no occurrence of c.131G>A in individuals affected with Hermansky-Pudlak Syndrome and no experimental evidence demonstrating its impact on protein function have been reported. One submitter has cited clinical-significance assessments for this variant to ClinVar after 2014 and has classified the variant as uncertain significance. Based on the evidence outlined above, the variant was classified as uncertain significance.